The following is an entry in ClinVar:

NM_004523.4(KIF11):c.2521del (p.Glu841fs)

Gene: KIF11 (kinesin family member 11; plus strand). Cytogenetic location: 10q23.33.
Variant type: Deletion.
Coding change: c.2521del on transcript NM_004523.4 (MANE Select); coding-DNA position 2521, one base deleted (G; older notation c.2521delG).
Protein change: p.Glu841fs; shifts the reading frame from glutamic acid 841.
Molecular consequence: frameshift variant.
Genome position (GRCh38, 1-based): chr10:92,645,616, G deleted; the last of 3 consecutive G bases (chr10:92,645,614-92,645,616); deleting any one gives the same sequence. VCF-style (leftmost placement, unchanged base first): chr10-92645613-AG-A. GRCh37 (hg19) VCF-style: chr10-94405370-AG-A.
Other names: short protein forms E841fs.
Identifiers: ClinVar variation 1372060 (VCV001372060.6), dbSNP rs2135923500, ClinGen allele CA2573145829.
Genomic context (GRCh38, chr10:92,645,613, plus strand): 5'-GAATCTCTGAACACAAGAACAGTTTATTTTTCTGAACAGTGGGTATCTTCCTTAAATGAA[AG>A]GGAACAGGAACTTCACAACTTATTGGAGGTAATAACTTTGTAAGTGGAACTTACTTTGGG-3'

ClinVar aggregate classification (germline): Pathogenic (1 of 4 stars; one submission).

Submission:

Labcorp Genetics (formerly Invitae), Labcorp
Classification: Pathogenic. Last evaluated: 2021-12-11. Review status: criteria provided, single submitter. Criteria: Invitae Variant Classification Sherloc (09022015). Collection method: clinical testing. Allele origin: germline.
Comment: For these reasons, this variant has been classified as Pathogenic. This variant has not been reported in the literature in individuals affected with KIF11-related conditions. This variant is not present in population databases (gnomAD no frequency). This sequence change creates a premature translational stop signal (p.Glu841Asnfs*11) in the KIF11 gene. It is expected to result in an absent or disrupted protein product. Loss-of-function variants in KIF11 are known to be pathogenic (PMID: 22284827, 24281367).

Literature cited by the submitters: PubMed 22284827; PubMed 24281367.